The following is an entry in ClinVar:

NM_020639.3(RIPK4):c.35C>G (p.Ala12Gly)

Gene: RIPK4 (receptor interacting serine/threonine kinase 4; minus strand). Cytogenetic location: 21q22.3.
Variant type: single nucleotide variant.
Coding change: c.35C>G on transcript NM_020639.3 (MANE Select); coding-DNA position 35, C replaced by G.
Protein change: p.Ala12Gly; replaces alanine 12 with glycine.
Molecular consequence: missense variant.
Genome position (GRCh38, 1-based): chr21:41,767,007, G>C on the plus strand (C>G on the coding strand, the complement: RIPK4 is on the minus strand). VCF-style: chr21-41767007-G-C. GRCh37 (hg19) VCF-style: chr21-43187167-G-C.
Other names: short protein forms A12G.
Identifiers: ClinVar variation 340037 (VCV000340037.8), dbSNP rs6586239, ClinGen allele CA10035859.

ClinVar aggregate classification (germline): Benign. Review status: criteria provided, multiple submitters, no conflicts (2 of 4 stars). 3 submissions from 3 submitters: Benign (3). Last evaluated 2019-10-30.

Conditions:
Bartsocas-Papas syndrome 1. Also called: Bartsocas-Papas syndrome; MULTIPLE PTERYGIUM SYNDROME, ASLAN TYPE; PTERYGIUM, POPLITEAL, LETHAL TYPE. Identifiers: Orphanet 1234, MedGen C1849718, MONDO:0009901, OMIM 263650.

Allele frequency attached by ClinVar (database versions not stated): 1000 Genomes Project 0.12260; 1000 Genomes Project 30x 0.12414; TOPMed 0.15397; gnomAD 0.15623 and 0.15988; ExAC 0.16017; ESP Exome Variant Server 0.16507.
gnomAD v4.1: 257,056 of 1,595,796 alleles (16%); highest among the groups gnomAD compares: African/African-American, 19%; 21,951 homozygotes.

Submissions (3):

GeneDx
Classification: Benign. Last evaluated: 2019-10-30. Review status: criteria provided, single submitter. Criteria: GeneDx Variant Classification Process June 2021. Collection method: clinical testing. Allele origin: germline. Affected: yes.

Illumina Laboratory Services, Illumina
Classification: Benign for Bartsocas-Papas syndrome 1. Last evaluated: 2018-01-13. Review status: criteria provided, single submitter. Criteria: ICSL Variant Classification Criteria 13 December 2019. Collection method: clinical testing. Allele origin: germline.
Comment: This variant was observed in the ICSL laboratory as part of a predisposition screen in an ostensibly healthy population. It had not been previously curated by ICSL or reported in the Human Gene Mutation Database (HGMD: prior to June 1st, 2018), and was therefore a candidate for classification through an automated scoring system. Utilizing variant allele frequency, disease prevalence and penetrance estimates, and inheritance mode, an automated score was calculated to assess if this variant is too frequent to cause the disease. Based on the score and internal cut-off values, a variant classified as benign is not then subjected to further curation. The score for this variant resulted in a classification of benign for this disease.

Breakthrough Genomics
Classification: Benign. Review status: criteria provided, single submitter. Criteria: ACMG Guidelines, 2015. Collection method: not provided. Allele origin: germline. Inheritance: Autosomal recessive inheritance. Affected: yes.